The following is an entry in ClinVar:

ClinVar aggregate classification (germline): Uncertain significance (1 of 4 stars; one submission).

Submission:

ISCA site 15
Classification: Uncertain significance. Last evaluated: 2011-08-12. Review status: criteria provided, single submitter. Criteria: Kaminsky et al. (Genet Med. 2011). Collection method: clinical testing. Allele origin: maternal. Affected: yes. Observed: 1 variant allele.
Comment: Copy number variation identified through the course of routine clinical cytogenomic testing in postnatal populations. Clinical assertions have been curated as described in Kaminsky et al. 2011.

GRCh38/hg38 12q24.23-24.31(chr12:119286893-122638552)x3

Genes: LRRC43 (leucine rich repeat containing 43; plus strand), MIR1178 (microRNA 1178; minus strand), MIR4498 (microRNA 4498; minus strand), MIR4700 (microRNA 4700; plus strand), MIR7107 (microRNA 7107; minus strand) and 262 more. Cytogenetic location: 12q24.23-24.31.
Variant type: copy number gain.
Change: copy number 3 (three copies instead of two) of chr12:119,286,893-122,638,552 (3.35 Mb, GRCh38 coordinates, 1-based), cytogenetic band 12q24.23-24.31.
Identifiers: ClinVar variation 58232 (VCV000058232.1).